The following is an entry in ClinVar:

ClinVar aggregate classification (germline): Uncertain significance (1 of 4 stars; one submission).

Conditions:
DICER1-related tumor predisposition. Also called: DICER1 syndrome; DICER1-related pleuropulmonary blastoma cancer predisposition syndrome. Identifiers: Orphanet 284343, MedGen C3839822, MONDO:0100216.

gnomAD v4.1: 1 of 1,614,198 alleles (0.000062%); no homozygotes.

Submission:

Labcorp Genetics (formerly Invitae), Labcorp
Classification: Uncertain significance for DICER1-related tumor predisposition. Last evaluated: 2025-01-11. Review status: criteria provided, single submitter. Criteria: Invitae Variant Classification Sherloc (09022015). Collection method: clinical testing. Allele origin: germline.
Comment: This sequence change replaces cysteine, which is neutral and slightly polar, with tryptophan, which is neutral and slightly polar, at codon 1510 of the DICER1 protein (p.Cys1510Trp). This variant is not present in population databases (gnomAD no frequency). This variant has not been reported in the literature in individuals affected with DICER1-related conditions. Invitae Evidence Modeling of protein sequence and biophysical properties (such as structural, functional, and spatial information, amino acid conservation, physicochemical variation, residue mobility, and thermodynamic stability) indicates that this missense variant is not expected to disrupt DICER1 protein function with a negative predictive value of 95%. In summary, the available evidence is currently insufficient to determine the role of this variant in disease. Therefore, it has been classified as a Variant of Uncertain Significance.

NM_177438.3(DICER1):c.4530C>G (p.Cys1510Trp)

Gene: DICER1 (dicer 1, ribonuclease III; minus strand). Cytogenetic location: 14q32.13.
Variant type: single nucleotide variant.
Coding change: c.4530C>G on transcript NM_177438.3 (MANE Select); coding-DNA position 4530, C replaced by G.
Protein change: p.Cys1510Trp; replaces cysteine 1510 with tryptophan.
Molecular consequence: missense variant. On other transcripts: non-coding transcript variant (6).
Genome position (GRCh38, 1-based): chr14:95,096,390, G>C on the plus strand (C>G on the coding strand, the complement: DICER1 is on the minus strand). VCF-style: chr14-95096390-G-C. GRCh37 (hg19) VCF-style: chr14-95562727-G-C.
Other names: c.4530C>G, p.Cys1510Trp (NM_001195573.1, NM_001271282.3, NM_001291628.2 and 12 more transcripts); c.4248C>G, p.Cys1416Trp (NM_001395686.1); c.4125C>G, p.Cys1375Trp (NM_001395687.1, NM_001395688.1, NM_001395689.1 and 2 more transcripts); c.3963C>G, p.Cys1321Trp (NM_001395691.1); c.2847C>G, p.Cys949Trp (NM_001395697.1); short protein forms C1375W, C1416W, C1321W, C1510W, C949W.
Identifiers: ClinVar variation 3720158 (VCV003720158.2).